The following is an entry in ClinVar:

NM_000878.5(IL2RB):c.1105C>A (p.Leu369Ile)

Gene: IL2RB (interleukin 2 receptor subunit beta; minus strand). Cytogenetic location: 22q12.3.
Variant type: single nucleotide variant.
Coding change: c.1105C>A on transcript NM_000878.5 (MANE Select); coding-DNA position 1105, C replaced by A.
Protein change: p.Leu369Ile; replaces leucine 369 with isoleucine.
Molecular consequence: missense variant.
Genome position (GRCh38, 1-based): chr22:37,128,647, G>T on the plus strand (C>A on the coding strand, the complement: IL2RB is on the minus strand). VCF-style: chr22-37128647-G-T. GRCh37 (hg19) VCF-style: chr22-37524687-G-T.
Other names: p.Leu369Ile; c.1105C>A, p.Leu369Ile (NM_001346222.1, NM_001346223.2); short protein forms L369I.
Identifiers: ClinVar variation 1420353 (VCV001420353.6), dbSNP rs926329698, ClinGen allele CA324043535.

ClinVar aggregate classification (germline): Uncertain significance. Review status: criteria provided, multiple submitters, no conflicts (2 of 4 stars). 2 submissions from 2 submitters: Uncertain significance (2). Last evaluated 2024-07-02.

Allele frequency attached by ClinVar (database versions not stated): gnomAD 0.00004.
gnomAD v4.1: 35 of 1,614,042 alleles (0.0022%); highest among the groups gnomAD compares: Non-Finnish European, 0.0028%; no homozygotes.

Submissions (2):

Mayo Clinic Laboratories, Mayo Clinic
Classification: Uncertain significance. Last evaluated: 2024-07-02. Review status: criteria provided, single submitter. Criteria: ACMG Guidelines, 2015. Collection method: clinical testing. Allele origin: germline. Observed: 1 variant allele.
Comment: BP4, PM2

Labcorp Genetics (formerly Invitae), Labcorp
Classification: Uncertain significance. Last evaluated: 2022-05-18. Review status: criteria provided, single submitter. Criteria: Invitae Variant Classification Sherloc (09022015). Collection method: clinical testing. Allele origin: germline.
Comment: This sequence change replaces leucine, which is neutral and non-polar, with isoleucine, which is neutral and non-polar, at codon 369 of the IL2RB protein (p.Leu369Ile). This variant is not present in population databases (gnomAD no frequency). This variant has not been reported in the literature in individuals affected with IL2RB-related conditions. Algorithms developed to predict the effect of missense changes on protein structure and function are either unavailable or do not agree on the potential impact of this missense change (SIFT: "Tolerated"; PolyPhen-2: "Probably Damaging"; Align-GVGD: "Class C0"). In summary, the available evidence is currently insufficient to determine the role of this variant in disease. Therefore, it has been classified as a Variant of Uncertain Significance.